The following is an entry in ClinVar:

ClinVar aggregate classification (germline): Pathogenic/Likely pathogenic. Review status: criteria provided, multiple submitters, no conflicts (2 of 4 stars). 10 submissions from 10 submitters: Pathogenic (1); Likely pathogenic (8). 1 of the submissions does not count toward it. Last evaluated 2026-09-15.

Conditions:
Hypophosphataemia or rickets.
Childhood hypophosphatasia. Identifiers: Orphanet 247667, Orphanet 436, MedGen C0220743, MONDO:1010168, OMIM 241510, MONDO:0009428.
Infantile hypophosphatasia. Identifiers: Orphanet 247651, Orphanet 436, MedGen C0268412, MONDO:1010169, OMIM 241500, MONDO:0009427.
Adult hypophosphatasia. Identifiers: Orphanet 247676, Orphanet 436, MedGen C0268413, MONDO:1010154, OMIM 146300, MONDO:0007798.
ALPL-related disorder. Also called: ALPL-related disorders; ALPL-related condition.
Hypophosphatasia. Also called: Phosphoethanol-aminuria. Identifiers: Orphanet 436, MedGen C0020630, MeSH D007014, MONDO:0018570.

Allele frequency attached by ClinVar (database versions not stated): gnomAD exomes below 0.00001.
gnomAD v4.1: 4 of 1,613,706 alleles (0.00025%); highest among the groups gnomAD compares: Non-Finnish European, 0.00025%; no homozygotes.

Submissions (10):

GeneDx
Classification: Likely pathogenic. Last evaluated: 2026-09-15. Review status: criteria provided, single submitter. Criteria: GeneDx Variant Classification Process June 2021. Collection method: clinical testing. Allele origin: germline.
Comment: Reported in multiple patients with features of ALPL-related disorder in published literature; however, clinical details were not always provided (PMID: 34189384, 28401263, 37118032); Not observed at significant frequency in large population cohorts (gnomAD); In silico analysis supports that this missense variant has a deleterious effect on protein structure/function; This variant is associated with the following publications: (PMID: 20049532, 28401263, 34189384, 37118032, 39983296, 38707809, 38884565, 38702915)

Women's Health and Genetics/Laboratory Corporation of America, LabCorp
Classification: Likely pathogenic for Hypophosphatasia. Last evaluated: 2025-10-22. Review status: criteria provided, single submitter. Criteria: LabCorp Variant Classification Summary - May 2015. Collection method: clinical testing. Allele origin: germline.
Comment: Variant summary: ALPL c.318G>C (p.Gln106His) results in a non-conservative amino acid change in the encoded protein sequence. Algorithms developed to predict the effect of missense changes on protein structure and function all suggest that this variant is likely to be disruptive. The variant was absent in 250856 control chromosomes. c.318G>C has been observed in individual(s) affected with Hypophosphatasia, including being presumably homozygous state in an individual with infantile Hypophosphatasia and being heterozygous in Adult hypophosphatasia case(s) (Balasubramaniam_2010, Koehler_2021, MacCarrick_2024, Rush_2025, internal data). These data indicate that the variant is likely to be associated with disease. To our knowledge, no experimental evidence demonstrating an impact on protein function has been reported. The following publications have been ascertained in the context of this evaluation (PMID: 20049532, 34189384, 38702915, 39983296). ClinVar contains an entry for this variant (Variation ID: 553805). Based on the evidence outlined above, the variant was classified as likely pathogenic for AD and AR Hypophosphatasia.

Labcorp Genetics (formerly Invitae), Labcorp
Classification: Pathogenic. Last evaluated: 2025-09-30. Review status: criteria provided, single submitter. Criteria: Invitae Variant Classification Sherloc (09022015). Collection method: clinical testing. Allele origin: germline.
Comment: This sequence change replaces glutamine, which is neutral and polar, with histidine, which is basic and polar, at codon 106 of the ALPL protein (p.Gln106His). This variant is not present in population databases (gnomAD no frequency). This missense change has been observed in individual(s) with hypophosphatasia (PMID: 20049532, 28401263; internal data). ClinVar contains an entry for this variant (Variation ID: 553805). Invitae Evidence Modeling of protein sequence and biophysical properties (such as structural, functional, and spatial information, amino acid conservation, physicochemical variation, residue mobility, and thermodynamic stability) indicates that this missense variant is expected to disrupt ALPL protein function with a positive predictive value of 95%. For these reasons, this variant has been classified as Pathogenic.

Genomenon, Inc
Classification: Likely pathogenic for Hypophosphatasia. Last evaluated: 2025-08-29. Review status: criteria provided, single submitter. Criteria: Genomenon Sequence Variant Interpretation Standards. Collection method: curation. Allele origin: germline. Affected: yes.
Comment: ALPL c.318G>C is a missense variant that changes the amino acid at residue 106 from Glutamine to Histidine. This variant has been observed in at least one proband affected with hypophosphatasia (PMID:38884565;28401263;29504586;34189384;20049532). The variant was found to segregate with disease in at least one affected family (PMID:29504586). It is absent or not present at a significant frequency in gnomAD. In silico models agree that this variant is possibly or probably damaging. In conclusion, we classify ALPL p.Gln106His (c.318G>C) as a likely pathogenic variant.

PreventionGenetics, part of Exact Sciences
Classification: Likely pathogenic for ALPL-related condition. Last evaluated: 2025-04-02. Review status: criteria provided, single submitter. Criteria: ACMG Guidelines, 2015. Collection method: clinical testing. Allele origin: germline.
Comment: The ALPL c.318G>C variant is predicted to result in the amino acid substitution p.Gln106His. This variant was reported in the homozygous state in a patient affected with perinatal hypophosphatasia (HPP) (Balasubramaniam et al. 2010. PubMed ID: 20049532) and in a three-generation family with autosomal dominant HPP. This variant was also reported in the heterozygous state in a patient with metatarsal stress fracture and low alkaline phosphatase activity (Koehler et al. 2021. PubMed ID: 34189384). In addition, a different amino acid change at the same position (p.Gln106Arg) was reported in a patient with hypophosphatasia (Supplementary Table 1, Tornero et al. 2020. PubMed ID: 32066479). At PreventionGenetics, we have reported this variant in two additional patients with low serum alkaline phosphatase activity. This variant has not been reported in a large population database (gnomAD), indicating this variant is rare. This variant is interpreted as likely pathogenic.

Fulgent Genetics
Classification: Likely pathogenic for Adult hypophosphatasia; Infantile hypophosphatasia; Childhood hypophosphatasia. Last evaluated: 2024-06-05. Review status: criteria provided, single submitter. Criteria: ACMG Guidelines, 2015. Collection method: clinical testing. Allele origin: germline.

Baylor Genetics
Classification: Likely pathogenic for Adult hypophosphatasia. Last evaluated: 2024-03-03. Review status: criteria provided, single submitter. Criteria: ACMG Guidelines, 2015. Collection method: clinical testing. Allele origin: unknown.

Cambridge Genomics Laboratory, East Genomic Laboratory Hub, NHS Genomic Medicine Service
Classification: Likely pathogenic for Hypophosphataemia or rickets. Last evaluated: 2024-02-28. Review status: criteria provided, single submitter. Criteria: ACGS Best Practice Guidelines for Variant Classification in Rare Disease 2020. Collection method: clinical testing. Allele origin: germline. Affected: yes.
Comment: The p.Gln106His variant is novel (not in any individuals) in gnomAD All. The p.Gln106His variant is novel (not in any individuals) in 1kG All. The p.Gln106His variant is novel (not in any individuals) in gnomAD Genomes v3 All. (PM2 - Moderate) | 6 variants within 6 amino acid positions of the variant p.Gln106His have been shown to be pathogenic, while none have been shown to be benign. (PM1 - Moderate) | The p.Gln106His missense variant is predicted to be damaging by both SIFT and PolyPhen2. The glutamine residue at codon 106 of ALPL is conserved in all mammalian species. The nucleotide c.318 in ALPL is predicted conserved by GERP++ and PhyloP across 100 vertebrates. (PP3 - Supporting) | The variant is observed in trans (in a compound heterozygous state) with another pathogenic variant. (PM3_Supporting - Supporting) | The patient's phenotype or family history is highly specific for a disease with a single genetic etiology. (PP4 - Supporting)

Molecular Diagnostics Laboratory, M Health Fairview: University of Minnesota
Classification: Likely pathogenic for Hypophosphatasia. Last evaluated: 2021-08-16. Review status: criteria provided, single submitter. Criteria: ACMG Guidelines, 2015. Collection method: clinical testing. Allele origin: germline. Affected: yes.

Counsyl
Classification: Uncertain significance for Infantile hypophosphatasia. Last evaluated: 2017-09-13. Review status: no assertion criteria provided. Collection method: clinical testing. Allele origin: unknown. Not counted in ClinVar's aggregate classification.

Literature cited by the submitters: PubMed 38702915 (cited by Women's Health and Genetics/Laboratory Corporation of America, LabCorp); PubMed 39983296 (cited by Women's Health and Genetics/Laboratory Corporation of America, LabCorp); PubMed 20049532 (cited by 4 submitters); PubMed 34189384 (cited by Women's Health and Genetics/Laboratory Corporation of America, LabCorp and Genomenon, Inc); PubMed 28401263 (cited by Labcorp Genetics (formerly Invitae), Labcorp and Genomenon, Inc); PubMed 38884565 (cited by Genomenon, Inc); PubMed 29504586 (cited by Genomenon, Inc).

NM_000478.6(ALPL):c.318G>C (p.Gln106His)

Gene: ALPL (alkaline phosphatase, biomineralization associated; plus strand). Cytogenetic location: 1p36.12.
Variant type: single nucleotide variant.
Coding change: c.318G>C on transcript NM_000478.6 (MANE Select); coding-DNA position 318, G replaced by C.
Protein change: p.Gln106His; replaces glutamine 106 with histidine.
Molecular consequence: missense variant.
Genome position (GRCh38, 1-based): chr1:21,563,130, G>C. VCF-style: chr1-21563130-G-C. GRCh37 (hg19) VCF-style: chr1-21889623-G-C.
Other names: p.Gln106His; c.153G>C, p.Gln51His (NM_001127501.4); c.87G>C, p.Gln29His (NM_001177520.3); c.318G>C, p.Gln106His (NM_001369803.2, NM_001369804.2, NM_001369805.2); c.318G>C (NM_000478.5); short protein forms Q106H, Q29H, Q51H.
Identifiers: ClinVar variation 553805 (VCV000553805.17), dbSNP rs1553412268, ClinGen allele CA338877090.
Genomic context (GRCh38, chr1:21,563,130, plus strand): 5'-AAGGCCTGGCCATCTCCTGACCCTCCTCTCCCACCTGCAGACGTACAACACCAATGCCCA[G>C]GTCCCTGACAGTGCCGGCACCGCCACCGCCTACCTGTGTGGGGTGAAGGCCAATGAGGGC-3'
Protein context (NP_000469.3, residues 96-116): ALSKTYNTNA[Gln106His]VPDSAGTATA